The following is an entry in ClinVar:

NC_000006.12:g.(?_161548844)_(161569426_?)del

Gene: PRKN (parkin RBR E3 ubiquitin protein ligase; minus strand). Cytogenetic location: 6q26.
Variant type: Deletion.
Identifiers: ClinVar variation 640466 (VCV000640466.2).

ClinVar aggregate classification (germline): Pathogenic (1 of 4 stars; one submission).

Submission:

Labcorp Genetics (formerly Invitae), Labcorp
Classification: Pathogenic. Last evaluated: 2019-01-29. Review status: criteria provided, single submitter. Criteria: Invitae Variant Classification Sherloc (09022015). Collection method: clinical testing. Allele origin: germline.
Comment: This variant is an out-of-frame deletion of the genomic region encompassing exons 8-9 of the PRKN gene. This is expected to create a premature translational stop signal and result in an absent or disrupted protein product. Similar deletions have been observed in several individuals affected with Parkinson's disease (PMID: 19479361, Invitae) and to segregate with Parkinson's Disease in one family (PMID: 9802278). Loss-of-function variants in PRKN are known to be pathogenic (PMID: 10072423, 20301651, 22956510). For these reasons, this variant has been classified as Pathogenic.

Literature cited by the submitters: PubMed 19479361; PubMed 9802278.